The following is an entry in ClinVar:

NM_001165963.4(SCN1A):c.5215C>T (p.Pro1739Ser)

Genes: SCN1A (sodium voltage-gated channel alpha subunit 1; minus strand), LOC102724058 (uncharacterized LOC102724058; plus strand). Cytogenetic location: 2q24.3.
Variant type: single nucleotide variant.
Coding change: c.5215C>T on transcript NM_001165963.4 (MANE Select); coding-DNA position 5215, C replaced by T.
Protein change: p.Pro1739Ser; replaces proline 1739 with serine.
Molecular consequence: missense variant. On other transcripts: non-coding transcript variant (1).
Genome position (GRCh38, 1-based): chr2:165,992,060, G>A on the plus strand (C>T on the coding strand, the complement: SCN1A is on the minus strand). VCF-style: chr2-165992060-G-A. GRCh37 (hg19) VCF-style: chr2-166848570-G-A.
Other names: c.5215C>T, p.Pro1739Ser (NM_001202435.3, NM_001353948.2); c.5182C>T, p.Pro1728Ser (NM_001353949.2, NM_001353950.2, NM_001353951.2 and 2 more transcripts); c.5179C>T, p.Pro1727Ser (NM_001353954.2, NM_001353955.2); c.5131C>T, p.Pro1711Ser (NM_001353957.2, NM_001353958.2, NM_001165964.3); c.5128C>T, p.Pro1710Ser (NM_001353960.2); c.2773C>T, p.Pro925Ser (NM_001353961.2); c.5215C>T (NM_001165963.1); short protein forms P1710S, P1711S, P1727S, P1728S, P1739S, P925S.
Identifiers: ClinVar variation 997960 (VCV000997960.6), dbSNP rs1689271992, ClinGen allele CA349068563.

ClinVar aggregate classification (germline): Conflicting classifications of pathogenicity. Review status: criteria provided, conflicting classifications (1 of 4 stars). 3 submissions from 3 submitters: Likely pathogenic (1); Uncertain significance (1). 1 of the submissions does not count toward it. Last evaluated 2025-10-26.

Conditions:
Generalized epilepsy with febrile seizures plus, type 2 (GEFSP2). Also called: GEFS+, TYPE 2. Identifiers: Orphanet 36387, MedGen C1858673, MONDO:0011461, OMIM 604403.
Early-infantile DEE. Also called: Ohtahara syndrome; Early infantile epileptic encephalopathy with suppression bursts; Early infantile epileptic encephalopathy. Identifiers: Orphanet 1934, MedGen C0393706, MONDO:0800491.

Submissions (3):

Labcorp Genetics (formerly Invitae), Labcorp
Classification: Uncertain significance for Early-infantile DEE. Last evaluated: 2025-10-26. Review status: criteria provided, single submitter. Criteria: Invitae Variant Classification Sherloc (09022015). Collection method: clinical testing. Allele origin: germline.
Comment: This sequence change replaces proline, which is neutral and non-polar, with serine, which is neutral and polar, at codon 1739 of the SCN1A protein (p.Pro1739Ser). This variant is not present in population databases (gnomAD no frequency). This variant has not been reported in the literature in individuals affected with SCN1A-related conditions. ClinVar contains an entry for this variant (Variation ID: 997960). Invitae Evidence Modeling of protein sequence and biophysical properties (such as structural, functional, and spatial information, amino acid conservation, physicochemical variation, residue mobility, and thermodynamic stability) indicates that this missense variant is expected to disrupt SCN1A protein function with a positive predictive value of 95%. In summary, the available evidence is currently insufficient to determine the role of this variant in disease. Therefore, it has been classified as a Variant of Uncertain Significance.

GeneDx
Classification: Likely pathogenic. Last evaluated: 2025-09-09. Review status: criteria provided, single submitter. Criteria: GeneDx Variant Classification Process June 2021. Collection method: clinical testing. Allele origin: germline.
Comment: Not observed at significant frequency in large population cohorts (gnomAD); In silico analysis supports that this missense variant has a deleterious effect on protein structure/function; Has not been previously published as pathogenic or benign to our knowledge; This substitution is predicted to be within the extracellular loop between the S5 and S6 transmembrane segments of the fourth homologous domain

Cytogénomique, Hospices Civils de Lyon
Classification: Likely pathogenic for Generalized epilepsy with febrile seizures plus, type 2. Review status: no assertion criteria provided. Collection method: clinical testing. Allele origin: unknown. Inheritance: Autosomal dominant inheritance. Affected: yes. Not counted in ClinVar's aggregate classification.